The following is an entry in ClinVar:

ClinVar aggregate classification (germline): Uncertain significance (1 of 4 stars; one submission).

Conditions:
Diabetes insipidus, nephrogenic, X-linked. Also called: Nephrogenic Diabetes Insipidus, Type I. Identifiers: Orphanet 223, MedGen C1563705, MONDO:0010581, OMIM 304800.

Submission:

Pediatrics, West China Second University Hospital, Sichuan University
Classification: Uncertain significance for Diabetes insipidus, nephrogenic, X-linked. Last evaluated: 2025-08-20. Review status: criteria provided, single submitter. Criteria: ACMG Guidelines, 2015. Collection method: clinical testing. Allele origin: germline. Affected: yes.
Comment: The NM_000054.7, c.334T>C, is a missense variant in AVPR2 which is predicted to result in a substitution from Cysteine to Arginine at position 334. This interpretation is supported by previous reports of the variant in two patients with diabetes insipidus (PS4_Supporting; PMID:8037205, 10694923). The variant is absent from the gnomAD population database (PM2_Supporting), and multiple in silico prediction tools suggest a deleterious effect on protein function (PP3). In summary, this variant meets criteria to be classified as uncertain significance (VUS) for diabetes insipidus, nephrogenic based on the ACMG/AMP criteria applied with the evidence: PS4_Supporting, PM2_Supporting, PP3.

NM_000054.7(AVPR2):c.334T>C (p.Cys112Arg)

Gene: AVPR2 (arginine vasopressin receptor 2; plus strand). Cytogenetic location: Xq28.
Variant type: single nucleotide variant.
Coding change: c.334T>C on transcript NM_000054.7 (MANE Select); coding-DNA position 334, T replaced by C.
Protein change: p.Cys112Arg; replaces cysteine 112 with arginine.
Molecular consequence: missense variant.
Genome position (GRCh38, 1-based): chrX:153,905,840, T>C. VCF-style: chrX-153905840-T-C. GRCh37 (hg19) VCF-style: chrX-153171294-T-C.
Other names: c.334T>C, p.Cys112Arg (NM_001146151.3); short protein forms C112R.
Identifiers: ClinVar variation 4076964 (VCV004076964.1).